The following is an entry in ClinVar:

ClinVar aggregate classification (germline): Likely benign (1 of 4 stars; one submission).

Conditions:
CLPX-related disorder. Also called: CLPX-related condition.

gnomAD v4.1: 130 of 1,608,098 alleles (0.0081%); highest among the groups gnomAD compares: South Asian, 0.14%; 3 homozygotes.

Submission:

PreventionGenetics, part of Exact Sciences
Classification: Likely benign for CLPX-related condition. Last evaluated: 2026-08-24. Review status: criteria provided, single submitter. Criteria: ACMG Guidelines, 2015. Collection method: clinical testing. Allele origin: germline.
Comment: This variant is classified as likely benign based on ACMG/AMP sequence variant interpretation guidelines (Richards et al. 2015 PMID: 25741868, with internal and published modifications).

NM_006660.5(CLPX):c.121C>T (p.Leu41Phe)

Gene: CLPX (caseinolytic mitochondrial matrix peptidase chaperone subunit X; minus strand). Cytogenetic location: 15q22.31.
Variant type: single nucleotide variant.
Coding change: c.121C>T on transcript NM_006660.5 (MANE Select); coding-DNA position 121, C replaced by T.
Protein change: p.Leu41Phe; replaces leucine 41 with phenylalanine.
Molecular consequence: missense variant. On other transcripts: non-coding transcript variant (1).
Genome position (GRCh38, 1-based): chr15:65,180,163, G>A on the plus strand (C>T on the coding strand, the complement: CLPX is on the minus strand). VCF-style: chr15-65180163-G-A. GRCh37 (hg19) VCF-style: chr15-65472501-G-A.
Other names: short protein forms L41F.
Identifiers: ClinVar variation 4990486 (VCV004990486.1).